The following is an entry in ClinVar:

ClinVar aggregate classification (germline): Uncertain significance. Review status: criteria provided, multiple submitters, no conflicts (2 of 4 stars). 7 submissions from 7 submitters: Uncertain significance (6). 1 of the submissions does not count toward it. Last evaluated 2025-11-17.

Conditions:
Hereditary cancer-predisposing syndrome. Also called: Neoplastic Syndromes, Hereditary; Hereditary neoplastic syndrome; Tumor predisposition; Hereditary Cancer Syndrome. Identifiers: Orphanet 140162, MedGen C0027672, MeSH D009386, MONDO:0015356.
Familial cancer of breast. Also called: hereditary breast carcinoma; Hereditary breast cancer; BREAST CANCER, FAMILIAL. Identifiers: Orphanet 227535, MedGen C0346153, MONDO:0016419, OMIM 114480. Disease mechanism: loss of function.
Ataxia-telangiectasia syndrome (AT). Also called: Ataxia telangiectasia (A-T); Cerebello-oculocutaneous telangiectasia; Immunodeficiency with ataxia telangiectasia; LOUIS-BAR SYNDROME; AT, COMPLEMENTATION GROUP C; ATAXIA-TELANGIECTASIA, FRESNO VARIANT. Identifiers: Orphanet 100, MedGen C0004135, MONDO:0008840, OMIM 208900.

Allele frequency attached by ClinVar (database versions not stated): TOPMed 0.00001; gnomAD exomes 0.00002; gnomAD 0.00001.
gnomAD v4.1: 30 of 1,614,072 alleles (0.0019%); highest among the groups gnomAD compares: Non-Finnish European, 0.0024%; no homozygotes.

Submissions (7):

Labcorp Genetics (formerly Invitae), Labcorp
Classification: Uncertain significance for Ataxia-telangiectasia syndrome. Last evaluated: 2025-11-17. Review status: criteria provided, single submitter. Criteria: Invitae Variant Classification Sherloc (09022015). Collection method: clinical testing. Allele origin: germline.
Comment: This sequence change replaces leucine, which is neutral and non-polar, with valine, which is neutral and non-polar, at codon 3048 of the ATM protein (p.Leu3048Val). This variant is not present in population databases (gnomAD no frequency). This variant has not been reported in the literature in individuals affected with ATM-related conditions. ClinVar contains an entry for this variant (Variation ID: 233630). Invitae Evidence Modeling of protein sequence and biophysical properties (such as structural, functional, and spatial information, amino acid conservation, physicochemical variation, residue mobility, and thermodynamic stability) has been performed for this missense variant. However, the output from this modeling did not meet the statistical confidence thresholds required to predict the impact of this variant on ATM protein function. In summary, the available evidence is currently insufficient to determine the role of this variant in disease. Therefore, it has been classified as a Variant of Uncertain Significance.

Ambry Genetics
Classification: Uncertain significance for Hereditary cancer-predisposing syndrome. Last evaluated: 2025-03-26. Review status: criteria provided, single submitter. Criteria: Ambry Variant Classification Scheme 2023. Collection method: clinical testing. Allele origin: germline.
Comment: The p.L3048V variant (also known as c.9142C>G), located in coding exon 62 of the ATM gene, results from a C to G substitution at nucleotide position 9142. The leucine at codon 3048 is replaced by valine, an amino acid with highly similar properties. This amino acid position is highly conserved in available vertebrate species. In addition, this alteration is predicted to be deleterious by in silico analysis. Based on the available evidence, the clinical significance of this variant remains unclear.

Color Diagnostics, LLC DBA Color Health
Classification: Uncertain significance for Hereditary cancer-predisposing syndrome. Last evaluated: 2025-01-07. Review status: criteria provided, single submitter. Criteria: ACMG Guidelines, 2015. Collection method: clinical testing. Allele origin: germline.
Comment: This missense variant replaces leucine with valine at codon 3048 of the ATM protein. Computational prediction is inconclusive regarding the impact of this variant on protein structure and function. To our knowledge, functional studies have not been performed for this variant. This variant has been reported in individuals affected with lung cancer (PMID: 30885352, 33296026). This variant has not been identified in the general population by the Genome Aggregation Database (gnomAD). The available evidence is insufficient to determine the role of this variant in disease conclusively. Therefore, this variant is classified as a Variant of Uncertain Significance.

Baylor Genetics
Classification: Uncertain significance for Familial cancer of breast. Last evaluated: 2024-02-15. Review status: criteria provided, single submitter. Criteria: ACMG Guidelines, 2015. Collection method: clinical testing. Allele origin: unknown.

GeneDx
Classification: Uncertain significance. Last evaluated: 2023-05-09. Review status: criteria provided, single submitter. Criteria: GeneDx Variant Classification Process June 2021. Collection method: clinical testing. Allele origin: germline. Affected: yes.
Comment: Not observed at significant frequency in large population cohorts (gnomAD); In silico analysis supports that this missense variant does not alter protein structure/function; Has not been previously published as pathogenic or benign to our knowledge; This variant is associated with the following publications: (PMID: 26926684, 33296026, 33203166)

Genetic Services Laboratory, University of Chicago
Classification: Uncertain significance. Last evaluated: 2020-04-22. Review status: criteria provided, single submitter. Criteria: ACMG Guidelines, 2015. Collection method: clinical testing. Allele origin: germline. Affected: no.
Comment: A sequence analysis of the ATM gene demonstrated a sequence change, c.9142C>G, in exon 63 that results in an amino acid change, p.Leu3048Val. This sequence change does not appear to have been previously described in patients with ATM-related disorders and has not been described in the population databases (ExAC and gnomAD). The p.Leu3048Val change affects a highly conserved amino acid residue located in a domain of the ATM protein that is known to be functional. The p.Leu3048Val substitution appears to be deleterious using several in-silico pathogenicity prediction tools (SIFT, PolyPhen2, Align GVGD, REVEL). Due to these evidences and the lack of functional studies, the clinical significance of the p.Leu3048Val change remains unknown at this time.

Natera, Inc.
Classification: Uncertain significance for Ataxia-telangiectasia. Last evaluated: 2020-08-11. Review status: no assertion criteria provided. Collection method: clinical testing. Allele origin: germline. Not counted in ClinVar's aggregate classification.

Literature cited by the submitters: PubMed 30885352 (cited by Color Diagnostics, LLC DBA Color Health); PubMed 33296026 (cited by Color Diagnostics, LLC DBA Color Health).

NM_000051.4(ATM):c.9142C>G (p.Leu3048Val)

Genes: ATM (ATM serine/threonine kinase; plus strand), C11orf65 (chromosome 11 open reading frame 65; minus strand). Cytogenetic location: 11q22.3.
Variant type: single nucleotide variant.
Coding change: c.9142C>G on transcript NM_000051.4 (MANE Select); coding-DNA position 9142, C replaced by G.
Protein change: p.Leu3048Val; replaces leucine 3048 with valine.
Molecular consequence: missense variant. On other transcripts: intron variant (2).
Genome position (GRCh38, 1-based): chr11:108,365,479, C>G. VCF-style: chr11-108365479-C-G. GRCh37 (hg19) VCF-style: chr11-108236206-C-G.
Other names: c.9142C>G, p.Leu3048Val (NM_001351834.2); c.640+20441G>C (NM_001330368.2); c.694+20441G>C (NM_001351110.2); short protein forms L3048V.
Identifiers: ClinVar variation 233630 (VCV000233630.39), dbSNP rs876660534, ClinGen allele CA10579343.